The following is an entry in ClinVar:

ClinVar aggregate classification (germline): Conflicting classifications of pathogenicity. Review status: criteria provided, conflicting classifications (1 of 4 stars). 2 submissions from 2 submitters: Pathogenic (1); Uncertain significance (1). Last evaluated 2024-08-05.

Allele frequency attached by ClinVar (database versions not stated): gnomAD 0.00001; ExAC 0.00002; ESP Exome Variant Server 0.00015.
gnomAD v4.1: 10 of 1,608,622 alleles (0.00062%); highest among the groups gnomAD compares: Admixed American, 0.0017%; no homozygotes.

Submissions (2):

GeneDx
Classification: Uncertain significance. Last evaluated: 2024-08-05. Review status: criteria provided, single submitter. Criteria: GeneDx Variant Classification Process June 2021. Collection method: clinical testing. Allele origin: germline. Affected: yes.
Comment: Not observed at significant frequency in large population cohorts (gnomAD); Nonsense variant predicted to result in protein truncation as the last 34 amino acids are lost, although loss-of-function variants have not been reported downstream of this position in the protein; Has not been previously published as pathogenic or benign to our knowledge

Labcorp Genetics (formerly Invitae), Labcorp
Classification: Pathogenic. Last evaluated: 2024-02-16. Review status: criteria provided, single submitter. Criteria: Invitae Variant Classification Sherloc (09022015). Collection method: clinical testing. Allele origin: germline.
Comment: This sequence change creates a premature translational stop signal (p.Arg1107*) in the CEP135 gene. It is expected to result in an absent or disrupted protein product. Loss-of-function variants in CEP135 are known to be pathogenic (PMID: 22521416, 26657937). This variant is present in population databases (rs138045779, gnomAD 0.007%). This variant has not been reported in the literature in individuals affected with CEP135-related conditions. For these reasons, this variant has been classified as Pathogenic.

Literature cited by the submitters: PubMed 22521416 (cited by Labcorp Genetics (formerly Invitae), Labcorp); PubMed 26657937 (cited by Labcorp Genetics (formerly Invitae), Labcorp).

NM_025009.5(CEP135):c.3319C>T (p.Arg1107Ter)

Gene: CEP135 (centrosomal protein 135; plus strand). Cytogenetic location: 4q12.
Variant type: single nucleotide variant.
Coding change: c.3319C>T on transcript NM_025009.5 (MANE Select); coding-DNA position 3319, C replaced by T.
Protein change: p.Arg1107Ter; replaces arginine 1107 with a stop codon.
Molecular consequence: nonsense.
Genome position (GRCh38, 1-based): chr4:56,020,779, C>T. VCF-style: chr4-56020779-C-T. GRCh37 (hg19) VCF-style: chr4-56886945-C-T.
Other names: c.3319C>T (NM_025009.4); short protein forms R1107*.
Identifiers: ClinVar variation 2727243 (VCV002727243.4), dbSNP rs138045779, ClinGen allele CA2928387.